The following is an entry in ClinVar:

NM_000535.7(PMS2):c.538-53_538-42dup

Gene: PMS2 (PMS1 homolog 2, mismatch repair system component; minus strand). Cytogenetic location: 7p22.1.
Variant type: Duplication.
Coding change: c.538-53_538-42dup on transcript NM_000535.7 (MANE Select); 53 bases into the intron before coding-DNA position 538 through 42 bases into the intron before coding-DNA position 538, 12 bases duplicated (ATTCCTATAATA).
Molecular consequence: intron variant.
Genome position (GRCh38, 1-based): chr7:5,999,317-5,999,328, TATTATAGGAAT duplicated on the plus strand (ATTCCTATAATA on the coding strand, the reverse complement: PMS2 is on the minus strand); duplicating any 12 consecutive bases within chr7:5,999,317-5,999,330 gives the same sequence; the c. name uses the placement nearest the transcript's 3' end. VCF-style (leftmost placement, unchanged base first): chr7-5999316-A-ATATTATAGGAAT. GRCh37 (hg19) VCF-style: chr7-6038947-A-ATATTATAGGAAT.
Other names: c.220-53_220-42dup (NM_001322008.2, NM_001322007.2); c.133-53_133-42dup (NM_001322010.2, NM_001322004.2, NM_001322003.2 and 2 more transcripts); c.133-1905_133-1894dup (NM_001322013.2); c.-347-102_-347-91dup (NM_001322012.2, NM_001322011.2); c.229-53_229-42dup (NM_001322015.2); c.538-53_538-42dup (NM_001322006.2, NM_001322014.2); c.538-53_538-42dupATTCCTATAATA (NM_000535.7).
Identifiers: ClinVar variation 977719 (VCV000977719.4), dbSNP rs775465039, ClinGen allele CA4150132.

ClinVar aggregate classification (germline): Benign/Likely benign. Review status: criteria provided, multiple submitters, no conflicts (2 of 4 stars). 3 submissions from 3 submitters: Benign (1); Likely benign (2). Last evaluated 2025-09-25.

Conditions:
PMS2-related disorder. Also called: PMS2-related condition.

Submissions (3):

PreventionGenetics, part of Exact Sciences
Classification: Likely benign for PMS2-related condition. Last evaluated: 2025-09-25. Review status: criteria provided, single submitter. Criteria: ACMG Guidelines, 2015. Collection method: clinical testing. Allele origin: germline.
Comment: This variant is classified as likely benign based on ACMG/AMP sequence variant interpretation guidelines (Richards et al. 2015 PMID: 25741868, with internal and published modifications).

Center for Genomic Medicine, Rigshospitalet, Copenhagen University Hospital
Classification: Likely benign. Last evaluated: 2025-03-04. Review status: criteria provided, single submitter. Criteria: ACMG Guidelines, 2015. Collection method: clinical testing. Allele origin: germline.

Women's Health and Genetics/Laboratory Corporation of America, LabCorp
Classification: Benign. Last evaluated: 2020-08-21. Review status: criteria provided, single submitter. Criteria: LabCorp Variant Classification Summary - May 2015. Collection method: clinical testing. Allele origin: germline.
Comment: Variant summary: PMS2 c.538-53_538-42dup12 is located at a position not widely known to affect splicing. 4/4 computational tools predict no significant impact on normal splicing. However, these predictions have yet to be confirmed by functional studies. The variant allele was found at a frequency of 0.00019 in 251024 control chromosomes, predominantly at a frequency of 0.00036 within the Non-Finnish European subpopulation in the gnomAD database. The observed variant frequency within Non-Finnish European control individuals in the gnomAD database is approximately 5 fold of the estimated maximal expected allele frequency for a pathogenic variant in PMS2 causing Hereditary Nonpolyposis Colorectal Cancer phenotype (7.1e-05), strongly suggesting that the variant is a benign polymorphism found primarily in populations of Non-Finnish European origin. To our knowledge, no occurrence of c.538-53_538-42dup12 in individuals affected with Hereditary Nonpolyposis Colorectal Cancer and no experimental evidence demonstrating its impact on protein function have been reported. No clinical diagnostic laboratories have submitted clinical-significance assessments for this variant to ClinVar after 2014. Based on the evidence outlined above, the variant was classified as benign.